The following is an entry in ClinVar:

ClinVar aggregate classification (germline): Uncertain significance (1 of 4 stars; one submission).

Conditions:
Marinesco-Sjögren syndrome (MSS). Also called: Marinesco-Sjogren Syndrome; Marinesco-SjÃ¶gren syndrome. Identifiers: Orphanet 559, MedGen C0024814, MONDO:0009567, OMIM 248800.

Allele frequency attached by ClinVar (database versions not stated): ExAC 0.00001; gnomAD 0.00001; TOPMed 0.00001.
gnomAD v4.1: 17 of 1,609,786 alleles (0.0011%); highest among the groups gnomAD compares: Middle Eastern, 0.033%; no homozygotes.

Submission:

Labcorp Genetics (formerly Invitae), Labcorp
Classification: Uncertain significance for Marinesco-Sjögren syndrome. Last evaluated: 2022-05-15. Review status: criteria provided, single submitter. Criteria: Invitae Variant Classification Sherloc (09022015). Collection method: clinical testing. Allele origin: germline.
Comment: This sequence change replaces valine, which is neutral and non-polar, with methionine, which is neutral and non-polar, at codon 330 of the SIL1 protein (p.Val330Met). This variant is present in population databases (rs753072490, gnomAD 0.003%). This variant has not been reported in the literature in individuals affected with SIL1-related conditions. Algorithms developed to predict the effect of missense changes on protein structure and function are either unavailable or do not agree on the potential impact of this missense change (SIFT: "Tolerated"; PolyPhen-2: "Probably Damaging"; Align-GVGD: "Class C0"). In summary, the available evidence is currently insufficient to determine the role of this variant in disease. Therefore, it has been classified as a Variant of Uncertain Significance.

NM_022464.5(SIL1):c.988G>A (p.Val330Met)

Gene: SIL1 (SIL1 nucleotide exchange factor; minus strand). Cytogenetic location: 5q31.2.
Variant type: single nucleotide variant.
Coding change: c.988G>A on transcript NM_022464.5 (MANE Select); coding-DNA position 988, G replaced by A.
Protein change: p.Val330Met; replaces valine 330 with methionine.
Molecular consequence: missense variant.
Genome position (GRCh38, 1-based): chr5:138,951,212, C>T on the plus strand (G>A on the coding strand, the complement: SIL1 is on the minus strand). VCF-style: chr5-138951212-C-T. GRCh37 (hg19) VCF-style: chr5-138286901-C-T.
Other names: c.988G>A, p.Val330Met (NM_001037633.2); short protein forms V330M.
Identifiers: ClinVar variation 2161552 (VCV002161552.1), dbSNP rs753072490, ClinGen allele CA3432424.